The following is an entry in ClinVar:

NM_001267550.2(TTN):c.86822-2A>G

Genes: TTN (titin; minus strand), TTN-AS1 (TTN antisense RNA 1; plus strand). Cytogenetic location: 2q31.2.
Variant type: single nucleotide variant.
Coding change: c.86822-2A>G on transcript NM_001267550.2 (MANE Select); the canonical splice acceptor site of the intron before coding-DNA position 86822, A replaced by G.
Molecular consequence: splice acceptor variant.
Genome position (GRCh38, 1-based): chr2:178,558,639, T>C on the plus strand (A>G on the coding strand, the complement: TTN is on the minus strand). VCF-style: chr2-178558639-T-C. GRCh37 (hg19) VCF-style: chr2-179423366-T-C.
Other names: c.59627-2A>G (NM_003319.4); c.60203-2A>G (NM_133437.4); c.60002-2A>G (NM_133432.3); c.79118-2A>G (NM_133378.4); c.81899-2A>G (NM_001256850.1).
Identifiers: ClinVar variation 1029099 (VCV001029099.1), dbSNP rs773710035, ClinGen allele CA349541127.
Genomic context (GRCh38, chr2:178,558,639, plus strand): 5'-GGAAACACTGTCTTTGGATATACTTGTTACTCCAAGTTTTTCAGGTGGGCTTGGTTTTTC[T>C]AAGAAAACAAAGCATCAAAAGAAAGTGAATAATTATTACAGCACTTTTAAATGTGCACTC-3'

ClinVar aggregate classification (germline): Likely pathogenic (1 of 4 stars; one submission).

Conditions:
Dilated cardiomyopathy 1G (CMD1G). Identifiers: Orphanet 154, MedGen C1858763, MONDO:0011400, OMIM 604145.

Submission:

Baylor Genetics
Classification: Likely pathogenic for Dilated cardiomyopathy 1G. Last evaluated: 2020-06-03. Review status: criteria provided, single submitter. Criteria: ACMG Guidelines, 2015. Collection method: clinical testing. Allele origin: unknown. Affected: yes.
Comment: This variant was determined to be likely pathogenic according to ACMG Guidelines, 2015 [PMID:25741868].